The following is an entry in ClinVar:

NM_032334.3(UTP23):c.644C>T (p.Pro215Leu)

Gene: UTP23 (UTP23 small subunit processome component; plus strand). Cytogenetic location: 8q24.11.
Variant type: single nucleotide variant.
Coding change: c.644C>T on transcript NM_032334.3 (MANE Select); coding-DNA position 644, C replaced by T.
Protein change: p.Pro215Leu; replaces proline 215 with leucine.
Molecular consequence: missense variant.
Genome position (GRCh38, 1-based): chr8:116,771,736, C>T. VCF-style: chr8-116771736-C-T. GRCh37 (hg19) VCF-style: chr8-117783975-C-T.
Other names: short protein forms P215L.
Identifiers: ClinVar variation 1287707 (VCV001287707.2), dbSNP rs16888728, ClinGen allele CA4852625.

ClinVar aggregate classification (germline): Benign. Review status: criteria provided, multiple submitters, no conflicts (2 of 4 stars). 2 submissions from 2 submitters: Benign (2). Last evaluated 2018-07-13.

Allele frequency attached by ClinVar (database versions not stated): gnomAD exomes 0.10419 and 0.11618; ExAC 0.12584; gnomAD 0.17482 and 0.17972; TOPMed 0.17864; ESP Exome Variant Server 0.18578; 1000 Genomes Project 0.19089; 1000 Genomes Project 30x 0.19675.

Submissions (2):

GeneDx
Classification: Benign. Last evaluated: 2018-07-13. Review status: criteria provided, single submitter. Criteria: GeneDx Variant Classification Process June 2021. Collection method: clinical testing. Allele origin: germline. Affected: yes.
Comment: This variant is associated with the following publications: (PMID: 29547645, 26553438)

Breakthrough Genomics
Classification: Benign. Review status: criteria provided, single submitter. Criteria: ACMG Guidelines, 2015. Collection method: not provided. Allele origin: germline. Inheritance: Unknown mechanism. Affected: yes.